The following is an entry in ClinVar:

ClinVar aggregate classification (germline): Uncertain significance (1 of 4 stars; one submission).

Conditions:
Common variable immunodeficiency (CVID). Also called: Common variable hypogamma-globulinemia; Common variable agammaglobulinemia. Identifiers: Orphanet 1572, MedGen C0009447, MONDO:0015517.

Submission:

Labcorp Genetics (formerly Invitae), Labcorp
Classification: Uncertain significance for Common variable immunodeficiency. Last evaluated: 2024-12-16. Review status: criteria provided, single submitter. Criteria: Invitae Variant Classification Sherloc (09022015). Collection method: clinical testing. Allele origin: germline.
Comment: This sequence change falls in intron 2 of the TNFSF12 gene. It does not directly change the encoded amino acid sequence of the TNFSF12 protein. It affects a nucleotide within the consensus splice site. This variant is not present in population databases (gnomAD no frequency). This variant has not been reported in the literature in individuals affected with TNFSF12-related conditions. ClinVar contains an entry for this variant (Variation ID: 1959875). Variants that disrupt the consensus splice site are a relatively common cause of aberrant splicing (PMID: 17576681, 9536098). Algorithms developed to predict the effect of sequence changes on RNA splicing suggest that this variant may disrupt the consensus splice site. In summary, the available evidence is currently insufficient to determine the role of this variant in disease. Therefore, it has been classified as a Variant of Uncertain Significance.

Literature cited by the submitters: PubMed 17576681; PubMed 9536098.

NM_003809.3(TNFSF12):c.207+3G>C

Genes: TNFSF12 (TNF superfamily member 12; plus strand), TNFSF12-TNFSF13 (TNFSF12-TNFSF13 readthrough; plus strand). Cytogenetic location: 17p13.1.
Variant type: single nucleotide variant.
Coding change: c.207+3G>C on transcript NM_003809.3 (MANE Select); 3 bases into the intron after coding-DNA position 207, G replaced by C.
Molecular consequence: intron variant.
Genome position (GRCh38, 1-based): chr17:7,549,524, G>C. VCF-style: chr17-7549524-G-C. GRCh37 (hg19) VCF-style: chr17-7452841-G-C.
Other names: c.207+3G>C (NM_172089.4).
Identifiers: ClinVar variation 1959875 (VCV001959875.5), dbSNP rs2508308319, ClinGen allele CA2580094780.